The following is an entry in ClinVar:

NM_001042492.3(NF1):c.6441A>C (p.Gln2147His)

Gene: NF1 (neurofibromin 1; plus strand). Cytogenetic location: 17q11.2.
Variant type: single nucleotide variant.
Coding change: c.6441A>C on transcript NM_001042492.3 (MANE Select); coding-DNA position 6441, A replaced by C.
Protein change: p.Gln2147His; replaces glutamine 2147 with histidine.
Molecular consequence: missense variant.
Genome position (GRCh38, 1-based): chr17:31,337,381, A>C. VCF-style: chr17-31337381-A-C. GRCh37 (hg19) VCF-style: chr17-29664399-A-C.
Other names: c.6378A>C, p.Gln2126His (NM_000267.4); short protein forms Q2147H, Q2126H.
Identifiers: ClinVar variation 826364 (VCV000826364.5), dbSNP rs1597843705, ClinGen allele CA399013017.

ClinVar aggregate classification (germline): Uncertain significance (1 of 4 stars; one submission).

Conditions:
Hereditary cancer-predisposing syndrome. Also called: Neoplastic Syndromes, Hereditary; Tumor predisposition; Hereditary neoplastic syndrome; Hereditary Cancer Syndrome. Identifiers: Orphanet 140162, MedGen C0027672, MeSH D009386, MONDO:0015356.
Cardiovascular phenotype. Identifiers: MedGen CN230736.

Submission:

Ambry Genetics
Classification: Uncertain significance for Cardiovascular phenotype; Hereditary cancer-predisposing syndrome. Last evaluated: 2025-12-05. Review status: criteria provided, single submitter. Criteria: Ambry Variant Classification Scheme 2023. Collection method: clinical testing. Allele origin: germline.
Comment: The p.Q2126H variant (also known as c.6378A>C), located in coding exon 42 of the NF1 gene, results from an A to C substitution at nucleotide position 6378. The glutamine at codon 2126 is replaced by histidine, an amino acid with highly similar properties. This amino acid position is highly conserved in available vertebrate species. In addition, the in silico prediction for this alteration is inconclusive. Since supporting evidence is limited at this time, the clinical significance of this alteration remains unclear.